The following is an entry in ClinVar:

NM_152384.3(BBS5):c.60-10T>G

Gene: BBS5 (Bardet-Biedl syndrome 5; plus strand). Cytogenetic location: 2q31.1.
Variant type: single nucleotide variant.
Coding change: c.60-10T>G on transcript NM_152384.3 (MANE Select); 10 bases into the intron before coding-DNA position 60, T replaced by G.
Molecular consequence: intron variant.
Genome position (GRCh38, 1-based): chr2:169,482,241, T>G. VCF-style: chr2-169482241-T-G. GRCh37 (hg19) VCF-style: chr2-170338751-T-G.
Identifiers: ClinVar variation 1016849 (VCV001016849.8), dbSNP rs1224093899, ClinGen allele CA537567150.

ClinVar aggregate classification (germline): Uncertain significance. Review status: criteria provided, multiple submitters, no conflicts (2 of 4 stars). 2 submissions from 2 submitters: Uncertain significance (2). Last evaluated 2022-10-17.

Conditions:
Bardet-Biedl syndrome 5 (BBS5). Identifiers: Orphanet 110, MedGen C3892039, MONDO:0014434, OMIM 615983.
Bardet-Biedl syndrome (BBS). Identifiers: Orphanet 110, MedGen C0752166, MONDO:0015229.

Allele frequency attached by ClinVar (database versions not stated): gnomAD exomes below 0.00001; gnomAD 0.00001.

Submissions (2):

Labcorp Genetics (formerly Invitae), Labcorp
Classification: Uncertain significance for Bardet-Biedl syndrome. Last evaluated: 2022-10-17. Review status: criteria provided, single submitter. Criteria: Invitae Variant Classification Sherloc (09022015). Collection method: clinical testing. Allele origin: germline.
Comment: This variant is present in population databases (no rsID available, gnomAD 0.01%). In summary, the available evidence is currently insufficient to determine the role of this variant in disease. Therefore, it has been classified as a Variant of Uncertain Significance. Algorithms developed to predict the effect of sequence changes on RNA splicing suggest that this variant may disrupt the consensus splice site. ClinVar contains an entry for this variant (Variation ID: 1016849). This variant has not been reported in the literature in individuals affected with BBS5-related conditions. This sequence change falls in intron 1 of the BBS5 gene. It does not directly change the encoded amino acid sequence of the BBS5 protein.

Fulgent Genetics
Classification: Uncertain significance for Bardet-Biedl syndrome 5. Last evaluated: 2022-05-27. Review status: criteria provided, single submitter. Criteria: ACMG Guidelines, 2015. Collection method: clinical testing. Allele origin: unknown.